The following is an entry in ClinVar:

NM_013382.7(POMT2):c.1254-3T>C

Gene: POMT2 (protein O-mannosyltransferase 2; minus strand). Cytogenetic location: 14q24.3.
Variant type: single nucleotide variant.
Coding change: c.1254-3T>C on transcript NM_013382.7 (MANE Select); 3 bases into the intron before coding-DNA position 1254, T replaced by C.
Molecular consequence: intron variant.
Genome position (GRCh38, 1-based): chr14:77,286,825, A>G on the plus strand (T>C on the coding strand, the complement: POMT2 is on the minus strand). VCF-style: chr14-77286825-A-G. GRCh37 (hg19) VCF-style: chr14-77753168-A-G.
Identifiers: ClinVar variation 1518630 (VCV001518630.3), dbSNP rs766683771, ClinGen allele CA7285907.

ClinVar aggregate classification (germline): Uncertain significance (1 of 4 stars; one submission).

Conditions:
Muscular dystrophy-dystroglycanopathy (congenital with impaired intellectual development), type B, 2. Also called: Muscular dystrophy-dystroglycanopathy (congenital with intellectual disability), type B2; MUSCULAR DYSTROPHY, CONGENITAL, POMT2-RELATED. Identifiers: MedGen C3150416, MONDO:0013160, OMIM 613156.
Autosomal recessive limb-girdle muscular dystrophy type 2N. Also called: MUSCULAR DYSTROPHY-DYSTROGLYCANOPATHY, LIMB-GIRDLE, POMT2-RELATED; Muscular dystrophy-dystroglycanopathy (limb-girdle), type C, 2. Identifiers: Orphanet 206559, MedGen C3150418, MONDO:0013162, OMIM 613158.
Muscular dystrophy-dystroglycanopathy (congenital with brain and eye anomalies), type A2. Also called: MUSCULAR DYSTROPHY-DYSTROGLYCANOPATHY (CONGENITAL WITH BRAIN AND EYE ANOMALIES), TYPE A, 2; WALKER-WARBURG SYNDROME OR MUSCLE-EYE-BRAIN DISEASE, POMT2-RELATED. Identifiers: Orphanet 588, Orphanet 899, MedGen C3150411, MONDO:0013154, OMIM 613150.

Allele frequency attached by ClinVar (database versions not stated): gnomAD exomes 0.00001 and below 0.00001; TOPMed below 0.00001; ExAC 0.00001.
gnomAD v4.1: 3 of 1,614,202 alleles (0.00019%); highest among the groups gnomAD compares: Non-Finnish European, 0.00025%; no homozygotes.

Submission:

Labcorp Genetics (formerly Invitae), Labcorp
Classification: Uncertain significance for Muscular dystrophy-dystroglycanopathy (congenital with impaired intellectual development), type B, 2; Muscular dystrophy-dystroglycanopathy (congenital with brain and eye anomalies), type A2; Autosomal recessive limb-girdle muscular dystrophy type 2N. Last evaluated: 2022-06-17. Review status: criteria provided, single submitter. Criteria: Invitae Variant Classification Sherloc (09022015). Collection method: clinical testing. Allele origin: germline.
Comment: This sequence change falls in intron 11 of the POMT2 gene. It does not directly change the encoded amino acid sequence of the POMT2 protein. It affects a nucleotide within the consensus splice site. This variant is present in population databases (rs766683771, gnomAD 0.0009%). This variant has not been reported in the literature in individuals affected with POMT2-related conditions. Variants that disrupt the consensus splice site are a relatively common cause of aberrant splicing (PMID: 17576681, 9536098). Algorithms developed to predict the effect of sequence changes on RNA splicing suggest that this variant is not likely to affect RNA splicing. In summary, the available evidence is currently insufficient to determine the role of this variant in disease. Therefore, it has been classified as a Variant of Uncertain Significance.

Literature cited by the submitters: PubMed 17576681; PubMed 9536098.